The following is an entry in ClinVar:

ClinVar aggregate classification (germline): Uncertain significance (1 of 4 stars; one submission).

Conditions:
Mendelian susceptibility to mycobacterial diseases due to complete ISG15 deficiency. Also called: Immunodeficiency 38; IMMUNODEFICIENCY 38, MYCOBACTERIOSIS, AUTOSOMAL RECESSIVE; ISG15 DEFICIENCY, AUTOSOMAL RECESSIVE; Immunodeficiency 38 with basal ganglia calcification. Identifiers: Orphanet 319563, MedGen C4015293, MONDO:0014502, OMIM 616126.

Submission:

Labcorp Genetics (formerly Invitae), Labcorp
Classification: Uncertain significance for Mendelian susceptibility to mycobacterial diseases due to complete ISG15 deficiency. Last evaluated: 2025-12-05. Review status: criteria provided, single submitter. Criteria: Invitae Variant Classification Sherloc (09022015). Collection method: clinical testing. Allele origin: germline.
Comment: This sequence change replaces glycine, which is neutral and non-polar, with arginine, which is basic and polar, at codon 158 of the ISG15 protein (p.Gly158Arg). This variant is present in population databases (rs139357483, gnomAD 0.006%). This variant has not been reported in the literature in individuals affected with ISG15-related conditions. An algorithm developed to predict the effect of missense changes on protein structure and function outputs the following: PolyPhen-2: "Benign". The arginine amino acid residue is found in multiple mammalian species, which suggests that this missense change does not adversely affect protein function. In summary, the available evidence is currently insufficient to determine the role of this variant in disease. Therefore, it has been classified as a Variant of Uncertain Significance.

NM_005101.4(ISG15):c.472G>C (p.Gly158Arg)

Gene: ISG15 (ISG15 ubiquitin like modifier; plus strand). Cytogenetic location: 1p36.33.
Variant type: single nucleotide variant.
Coding change: c.472G>C on transcript NM_005101.4 (MANE Select); coding-DNA position 472, G replaced by C.
Protein change: p.Gly158Arg; replaces glycine 158 with arginine.
Molecular consequence: missense variant.
Genome position (GRCh38, 1-based): chr1:1,014,452, G>C. VCF-style: chr1-1014452-G-C. GRCh37 (hg19) VCF-style: chr1-949832-G-C.
Other names: short protein forms G158R.
Identifiers: ClinVar variation 4775461 (VCV004775461.1).
Genomic context (GRCh38, chr1:1,014,452, plus strand): 5'-GGGGAGTACGGCCTCAAGCCCCTGAGCACCGTGTTCATGAATCTGCGCCTGCGGGGAGGC[G>C]GCACAGAGCCTGGCGGGCGGAGCTAAGGGCCTCCACCAGCATCCGAGCAGGATCAAGGGC-3'
Protein context (NP_005092.1, residues 148-165): VFMNLRLRGG[Gly158Arg]TEPGGRS